The following is an entry in ClinVar:

NM_002519.3(NPAT):c.259A>G (p.Lys87Glu)

Gene: NPAT (nuclear protein, coactivator of histone transcription; minus strand). Cytogenetic location: 11q22.3.
Variant type: single nucleotide variant.
Coding change: c.259A>G on transcript NM_002519.3 (MANE Select); coding-DNA position 259, A replaced by G.
Protein change: p.Lys87Glu; replaces lysine 87 with glutamic acid.
Molecular consequence: missense variant.
Genome position (GRCh38, 1-based): chr11:108,192,149, T>C on the plus strand (A>G on the coding strand, the complement: NPAT is on the minus strand). VCF-style: chr11-108192149-T-C. GRCh37 (hg19) VCF-style: chr11-108062876-T-C.
Other names: c.259A>G, p.Lys87Glu (NM_001321307.1); short protein forms K87E.
Identifiers: ClinVar variation 1793611 (VCV001793611.2), dbSNP rs2496751328, ClinGen allele CA382526620.
Genomic context (GRCh38, chr11:108,192,149, plus strand): 5'-TCATTAGGCACATTCTAATAGCTTATTACCTGATCTGAGAAAGTGTATGGTCCAATTTCT[T>C]CCATAGAGATGACATTATTGCTGGGACATTATTTGATGTTTCTAAATCATAGGAGAAAAG-3'
Protein context (NP_002510.2, residues 77-97): NVPAIMSSLW[Lys87Glu]KLDHTLSQIR

ClinVar aggregate classification (germline): Uncertain significance (1 of 4 stars; one submission).

Allele frequency attached by ClinVar (database versions not stated): gnomAD exomes below 0.00001.
gnomAD v4.1: 2 of 1,607,002 alleles (0.00012%); highest among the groups gnomAD compares: Non-Finnish European, 0.00017%; no homozygotes.

Submission:

Ambry Genetics
Classification: Uncertain significance. Last evaluated: 2022-06-24. Review status: criteria provided, single submitter. Criteria: Ambry Variant Classification Scheme 2023. Collection method: clinical testing. Allele origin: germline.
Comment: The p.K87E variant (also known as c.259A>G), located in coding exon 4 of the NPAT gene, results from an A to G substitution at nucleotide position 259. The lysine at codon 87 is replaced by glutamic acid, an amino acid with similar properties. This amino acid position is conserved. In addition, the in silico prediction for this alteration is inconclusive. Since supporting evidence is limited at this time, the clinical significance of this alteration remains unclear.